The following is an entry in ClinVar:

ClinVar aggregate classification (germline): Uncertain significance (1 of 4 stars; one submission).

Conditions:
Autoimmune interstitial lung disease-arthritis syndrome. Also called: Autoinflammation and autoimmunity, systemic, with immune dysregulation. Identifiers: Orphanet 444092, MedGen C5975714, MONDO:0014629.

Submission:

Labcorp Genetics (formerly Invitae), Labcorp
Classification: Uncertain significance for Autoimmune interstitial lung disease-arthritis syndrome. Last evaluated: 2022-11-12. Review status: criteria provided, single submitter. Criteria: Invitae Variant Classification Sherloc (09022015). Collection method: clinical testing. Allele origin: germline.
Comment: This variant has not been reported in the literature in individuals affected with COPA-related conditions. In summary, the available evidence is currently insufficient to determine the role of this variant in disease. Therefore, it has been classified as a Variant of Uncertain Significance. Variants that disrupt the consensus splice site are a relatively common cause of aberrant splicing (PMID: 17576681, 9536098). Algorithms developed to predict the effect of sequence changes on RNA splicing suggest that this variant may disrupt the consensus splice site. This variant is not present in population databases (gnomAD no frequency). This sequence change falls in intron 4 of the COPA gene. It does not directly change the encoded amino acid sequence of the COPA protein. It affects a nucleotide within the consensus splice site.

Literature cited by the submitters: PubMed 17576681; PubMed 9536098.

NM_004371.4(COPA):c.309+6T>C

Gene: COPA (coat protein complex I subunit alpha; minus strand). Cytogenetic location: 1q23.2.
Variant type: single nucleotide variant.
Coding change: c.309+6T>C on transcript NM_004371.4 (MANE Select); 6 bases into the intron after coding-DNA position 309, T replaced by C.
Molecular consequence: intron variant.
Genome position (GRCh38, 1-based): chr1:160,335,236, A>G on the plus strand (T>C on the coding strand, the complement: COPA is on the minus strand). VCF-style: chr1-160335236-A-G. GRCh37 (hg19) VCF-style: chr1-160305026-A-G.
Other names: c.309+6T>C (NM_001098398.2).
Identifiers: ClinVar variation 2813846 (VCV002813846.3), dbSNP rs2525462670, ClinGen allele CA2739275355.
Genomic context (GRCh38, chr1:160,335,236, plus strand): 5'-ATCAAATAAAGATTACTATGGGGAAACTAAGAATGCTCCAAAACTAGCGCCACCATGACT[A>G]CTTACATGATGAAAAAACGTGGTGCGAATATAATCTAAGTGCCCAAGCAATGTGAAAAGA-3'